The following is an entry in ClinVar:

ClinVar aggregate classification (germline): Uncertain significance (1 of 4 stars; one submission).

gnomAD v4.1: 1 of 1,535,530 alleles (0.000065%); highest among the groups gnomAD compares: Non-Finnish European, 0.000087%; no homozygotes.

Submission:

GeneDx
Classification: Uncertain significance. Last evaluated: 2025-10-29. Review status: criteria provided, single submitter. Criteria: GeneDx Variant Classification Process June 2021. Collection method: clinical testing. Allele origin: germline. Affected: yes.
Comment: Not observed at significant frequency in large population cohorts (gnomAD); In silico analysis supports that this missense variant has a deleterious effect on protein structure/function; Has not been previously published as pathogenic or benign to our knowledge

NM_001353345.2(SETD1B):c.4540C>T (p.Pro1514Ser)

Gene: SETD1B (SET domain containing 1B, histone lysine methyltransferase; plus strand). Cytogenetic location: 12q24.31.
Variant type: single nucleotide variant.
Coding change: c.4540C>T on transcript NM_001353345.2 (MANE Select); coding-DNA position 4540, C replaced by T.
Protein change: p.Pro1514Ser; replaces proline 1514 with serine.
Molecular consequence: missense variant.
Genome position (GRCh38, 1-based): chr12:121,823,119, C>T. VCF-style: chr12-121823119-C-T. GRCh37 (hg19) VCF-style: chr12-122261025-C-T.
Other names: short protein forms P1514S.
Identifiers: ClinVar variation 3371114 (VCV003371114.2).
Genomic context (GRCh38, chr12:121,823,119, plus strand): 5'-GCTCGTGCGCCCACCCCGCTGCCACCCCTGCTGCCCGCCCCCCTGGCCTCTTGCCCTCCC[C>T]CAATGAAGAGGAAGCCGGGCCGGCCCCGGCGATCCCCACCATCTATGCTCTCCTTGGATG-3'
Protein context (NP_001340274.1, residues 1504-1524): LPAPLASCPP[Pro1514Ser]MKRKPGRPRR